The following is an entry in ClinVar:

NM_021098.3(CACNA1H):c.2362C>T (p.Arg788Cys)

Gene: CACNA1H (calcium voltage-gated channel subunit alpha1 H; plus strand). Cytogenetic location: 16p13.3.
Variant type: single nucleotide variant.
Coding change: c.2362C>T on transcript NM_021098.3 (MANE Select); coding-DNA position 2362, C replaced by T.
Protein change: p.Arg788Cys; replaces arginine 788 with cysteine.
Molecular consequence: missense variant.
Genome position (GRCh38, 1-based): chr16:1,204,369, C>T. VCF-style: chr16-1204369-C-T. GRCh37 (hg19) VCF-style: chr16-1254369-C-T.
Other names: c.2362C>T, p.Arg788Cys (NM_001005407.2); short protein forms R788C.
Identifiers: ClinVar variation 96008 (VCV000096008.19), dbSNP rs3751664, ClinGen allele CA149144.

ClinVar aggregate classification (germline): Benign. Review status: criteria provided, multiple submitters, no conflicts (2 of 4 stars). 7 submissions from 7 submitters: Benign (7). Last evaluated 2026-02-04.

Conditions:
Hyperaldosteronism, familial, type IV (HALD4). Also called: FH IV; ALDOSTERONISM, PRIMARY, AND HYPERTENSION. Identifiers: Orphanet 642671, MedGen C4310756, MONDO:0014875, OMIM 617027.
Idiopathic generalized epilepsy. Also called: Generalised epilepsy; EIG. Identifiers: MedGen C0270850, MONDO:0005579, OMIM 600669.

Allele frequency attached by ClinVar (database versions not stated): TOPMed 0.06941; gnomAD 0.07491 and 0.07301; 1000 Genomes Project 0.04673; ESP Exome Variant Server 0.07380; 1000 Genomes Project 30x 0.04528.
gnomAD v4.1: 143,924 of 1,570,246 alleles (9.2%); highest among the groups gnomAD compares: East Asian, 12%; 7,457 homozygotes.

Submissions (7):

Labcorp Genetics (formerly Invitae), Labcorp
Classification: Benign for Idiopathic generalized epilepsy; Hyperaldosteronism, familial, type IV. Last evaluated: 2026-02-04. Review status: criteria provided, single submitter. Criteria: Invitae Variant Classification Sherloc (09022015). Collection method: clinical testing. Allele origin: germline.

Blueprint Genetics
Classification: Benign. Last evaluated: 2024-11-27. Review status: criteria provided, single submitter. Criteria: ACMG Guidelines, 2015. Collection method: clinical testing. Allele origin: germline.

Mayo Clinic Laboratories, Mayo Clinic
Classification: Benign. Last evaluated: 2023-01-17. Review status: criteria provided, single submitter. Criteria: ACMG Guidelines, 2015. Collection method: clinical testing. Allele origin: germline. Observed: 11 variant alleles.
Comment: BA1, BS2

GeneDx
Classification: Benign. Last evaluated: 2019-12-13. Review status: criteria provided, single submitter. Criteria: GeneDx Variant Classification Process June 2021. Collection method: clinical testing. Allele origin: germline. Affected: yes.
Comment: This variant is associated with the following publications: (PMID: 17696120, 28933792)

Athena Diagnostics
Classification: Benign. Last evaluated: 2017-04-20. Review status: criteria provided, single submitter. Criteria: Athena Diagnostics Criteria. Collection method: clinical testing. Allele origin: germline.

Eurofins Ntd Llc (ga)
Classification: Benign. Last evaluated: 2013-07-03. Review status: criteria provided, single submitter. Criteria: EGL Classification Definitions 2015. Collection method: clinical testing. Allele origin: germline. Observed: 2 variant alleles, 2 heterozygotes.

Breakthrough Genomics
Classification: Benign. Review status: criteria provided, single submitter. Criteria: ACMG Guidelines, 2015. Collection method: not provided. Allele origin: germline. Inheritance: Autosomal dominant inheritance. Affected: yes.